The following is an entry in ClinVar:

ClinVar aggregate classification (germline): Likely pathogenic (1 of 4 stars; one submission).

Submission:

Labcorp Genetics (formerly Invitae), Labcorp
Classification: Likely pathogenic. Last evaluated: 2022-07-05. Review status: criteria provided, single submitter. Criteria: Invitae Variant Classification Sherloc (09022015). Collection method: clinical testing. Allele origin: germline.
Comment: In summary, the currently available evidence indicates that the variant is pathogenic, but additional data are needed to prove that conclusively. Therefore, this variant has been classified as Likely Pathogenic. Algorithms developed to predict the effect of sequence changes on RNA splicing suggest that this variant may disrupt the consensus splice site. This variant has not been reported in the literature in individuals affected with ATP2A2-related conditions. This variant is not present in population databases (gnomAD no frequency). This sequence change affects an acceptor splice site in intron 16 of the ATP2A2 gene. It is expected to disrupt RNA splicing. Variants that disrupt the donor or acceptor splice site typically lead to a loss of protein function (PMID: 16199547), and loss-of-function variants in ATP2A2 are known to be pathogenic (PMID: 10080178, 10441324).

Literature cited by the submitters: PubMed 16199547; PubMed 10080178; PubMed 10441324.

NM_170665.4(ATP2A2):c.2522-1G>C

Genes: ATP2A2 (ATPase sarcoplasmic/endoplasmic reticulum Ca2+ transporting 2; plus strand), LOC126861638 (MED14-independent group 3 enhancer GRCh37_chr12:110782389-110783588; plus strand). Cytogenetic location: 12q24.11.
Variant type: single nucleotide variant.
Coding change: c.2522-1G>C on transcript NM_170665.4 (MANE Select); the canonical splice acceptor site of the intron before coding-DNA position 2522, G replaced by C.
Molecular consequence: splice acceptor variant.
Genome position (GRCh38, 1-based): chr12:110,344,885, G>C. VCF-style: chr12-110344885-G-C. GRCh37 (hg19) VCF-style: chr12-110782690-G-C.
Other names: c.2147-1G>C (NM_001413015.1); c.2522-1G>C (NM_001413014.1, NM_001681.4); c.2417-1G>C (NM_001413013.1).
Identifiers: ClinVar variation 1952056 (VCV001952056.5), dbSNP rs2548565181, ClinGen allele CA386676789.